The following is an entry in ClinVar:

ClinVar aggregate classification (germline): Uncertain significance. Review status: criteria provided, multiple submitters, no conflicts (2 of 4 stars). 2 submissions from 2 submitters: Uncertain significance (2). Last evaluated 2025-10-29.

Conditions:
Long QT syndrome (LQTS). Identifiers: MedGen C0023976, MeSH D008133, MONDO:0002442. Disease mechanism: loss of function. Inheritance: Various modes of inheritance.

Submissions (2):

Labcorp Genetics (formerly Invitae), Labcorp
Classification: Uncertain significance for Long QT syndrome. Last evaluated: 2025-10-29. Review status: criteria provided, single submitter. Criteria: Invitae Variant Classification Sherloc (09022015). Collection method: clinical testing. Allele origin: germline.
Comment: This sequence change replaces leucine, which is neutral and non-polar, with proline, which is neutral and non-polar, at codon 131 of the KCNQ1 protein (p.Leu131Pro). This variant is not present in population databases (gnomAD no frequency). This missense change has been observed in individual(s) with clinical features of long QT syndrome (internal data). ClinVar contains an entry for this variant (Variation ID: 200873). Invitae Evidence Modeling of protein sequence and biophysical properties (such as structural, functional, and spatial information, amino acid conservation, physicochemical variation, residue mobility, and thermodynamic stability) indicates that this missense variant is expected to disrupt KCNQ1 protein function with a positive predictive value of 95%. Experimental studies have shown that this missense change affects KCNQ1 function (PMID: 29532034, 30571187). In summary, the available evidence is currently insufficient to determine the role of this variant in disease. Therefore, it has been classified as a Variant of Uncertain Significance.

GeneDx
Classification: Uncertain significance. Last evaluated: 2018-01-12. Review status: criteria provided, single submitter. Criteria: GeneDx Variant Classification (06012015). Collection method: clinical testing. Allele origin: germline. Affected: yes.
Comment: p.Leu131Pro (CTC>CCC): c.392 T>C in exon 2 of the KCNQ1 gene (NM_000218.2). A variant of unknown significance has been identified in the KCNQ1 gene. The L131P variant has not been published as a mutation, nor has it been reported as a benign polymorphism to our knowledge. The L131P variant was not observed in approximately 6,500 individuals of European and African American ancestry in the NHLBI Exome Sequencing Project, indicating it is not a common benign variant in these populations. The L131P variant is a semi-conservative amino acid substitution, which may impact secondary protein structure as these residues differ in some properties. Additionally, this substitution occurs at a position that is conserved across mammals and in silico analysis predicts this variant is probably damaging to the protein structure/function. Furthermore, missense mutations in nearby residues (F127L, I132L, V133I, L134P, C136F, L137F) have been reported in association with LQTS, supporting the functional importance of this region of the protein. Therefore, based on the currently available information, it is unclear whether this variant is a pathogenic mutation or a rare benign variant. The variant is found in LQT panel(s).

Literature cited by the submitters: PubMed 29532034 (cited by Labcorp Genetics (formerly Invitae), Labcorp); PubMed 30571187 (cited by Labcorp Genetics (formerly Invitae), Labcorp).

NM_000218.3(KCNQ1):c.392T>C (p.Leu131Pro)

Gene: KCNQ1 (potassium voltage-gated channel subfamily Q member 1; plus strand). Cytogenetic location: 11p15.5.
Variant type: single nucleotide variant.
Coding change: c.392T>C on transcript NM_000218.3 (MANE Select); coding-DNA position 392, T replaced by C.
Protein change: p.Leu131Pro; replaces leucine 131 with proline.
Molecular consequence: missense variant.
Genome position (GRCh38, 1-based): chr11:2,527,933, T>C. VCF-style: chr11-2527933-T-C. GRCh37 (hg19) VCF-style: chr11-2549163-T-C.
Other names: p.L131P:CTC>CCC; c.392T>C, p.Leu131Pro (NM_001406836.1, NM_001406838.1); c.122T>C, p.Leu41Pro (NM_001406837.1); c.11T>C, p.Leu4Pro (NM_181798.2); short protein forms L131P, L4P, L41P.
Identifiers: ClinVar variation 200873 (VCV000200873.9), dbSNP rs794728550, ClinGen allele CA006966.
Genomic context (GRCh38, chr11:2,527,933, plus strand): 5'-CATCTGTGGGATGGGCAGAGGCCGTGATGCTGACTGCCGTGTCCCTGTCTTGCAGCTTCC[T>C]CATCGTCCTGGTCTGCCTCATCTTCAGCGTGCTGTCCACCATCGAGCAGTATGCCGCCCT-3'
Protein context (NP_000209.2, residues 121-141): KCFVYHFAVF[Leu131Pro]IVLVCLIFSV